The following is an entry in ClinVar:

ClinVar aggregate classification (germline): Uncertain significance (1 of 4 stars; one submission).

Submission:

CeGaT Center for Human Genetics Tuebingen
Classification: Uncertain significance. Last evaluated: 2024-12-01. Review status: criteria provided, single submitter. Criteria: CeGaT Center For Human Genetics Tuebingen Variant Classification Criteria Version 2. Collection method: clinical testing. Allele origin: germline. Affected: yes. Observed: 1 variant allele.
Comment: CHD7: PM2, PP3

NM_017780.4(CHD7):c.3020T>A (p.Leu1007His)

Gene: CHD7 (chromodomain helicase DNA binding protein 7; plus strand). Cytogenetic location: 8q12.2.
Variant type: single nucleotide variant.
Coding change: c.3020T>A on transcript NM_017780.4 (MANE Select); coding-DNA position 3020, T replaced by A.
Protein change: p.Leu1007His; replaces leucine 1007 with histidine.
Molecular consequence: missense variant. On other transcripts: intron variant (1).
Genome position (GRCh38, 1-based): chr8:60,822,565, T>A. VCF-style: chr8-60822565-T-A. GRCh37 (hg19) VCF-style: chr8-61735124-T-A.
Other names: c.1717-39664T>A (NM_001316690.1); short protein forms L1007H.
Identifiers: ClinVar variation 3772129 (VCV003772129.13).